The following is an entry in ClinVar:

ClinVar aggregate classification (germline): Likely pathogenic (1 of 4 stars; one submission).

Conditions:
Brachyolmia-amelogenesis imperfecta syndrome. Also called: Tooth agenesis, selective, 6; Dental anomalies and short stature; PLATYSPONDYLY WITH AMELOGENESIS IMPERFECTA. Identifiers: Orphanet 2899, MedGen C1832594, MONDO:0011018, OMIM 601216. Disease mechanism: loss of function.

Allele frequency attached by ClinVar (database versions not stated): TOPMed below 0.00001; gnomAD 0.00001; gnomAD exomes 0.00001; ExAC 0.00002; 1000 Genomes Project 30x 0.00016.

Submission:

Labcorp Genetics (formerly Invitae), Labcorp
Classification: Likely pathogenic for Brachyolmia-amelogenesis imperfecta syndrome. Last evaluated: 2025-06-11. Review status: criteria provided, single submitter. Criteria: Invitae Variant Classification Sherloc (09022015). Collection method: clinical testing. Allele origin: germline.
Comment: This sequence change affects a splice site in intron 8 of the LTBP3 gene. It is expected to disrupt RNA splicing. Variants that disrupt the donor or acceptor splice site typically lead to a loss of protein function (PMID: 16199547), and loss-of-function variants in LTBP3 are known to be pathogenic (PMID: 11790802, 19344874, 25669657). This variant is present in population databases (rs762654687, gnomAD 0.01%). Disruption of this splice site has been observed in individual(s) with autosomal recessive LTBP3-related conditions (PMID: 25669657). ClinVar contains an entry for this variant (Variation ID: 2799648). Algorithms developed to predict the effect of sequence changes on RNA splicing suggest that this variant may disrupt the consensus splice site. In summary, the currently available evidence indicates that the variant is pathogenic, but additional data are needed to prove that conclusively. Therefore, this variant has been classified as Likely Pathogenic.

Literature cited by the submitters: PubMed 16199547; PubMed 11790802; PubMed 19344874; PubMed 25669657.

NM_001130144.3(LTBP3):c.1531+2del

Gene: LTBP3 (latent transforming growth factor beta binding protein 3; minus strand). Cytogenetic location: 11q13.1.
Variant type: Deletion.
Coding change: c.1531+2del on transcript NM_001130144.3 (MANE Select); the canonical splice donor site of the intron after coding-DNA position 1531, one base deleted (T; older notation c.1531+2delT).
Molecular consequence: splice donor variant.
Genome position (GRCh38, 1-based): chr11:65,551,970, A deleted on the plus strand (T on the coding strand, the reverse complement: LTBP3 is on the minus strand). VCF-style (leftmost placement, unchanged base first): chr11-65551969-GA-G. GRCh37 (hg19) VCF-style: chr11-65319440-GA-G.
Other names: c.1180+2del (NM_001164266.1); c.1531+2del (NM_021070.4).
Identifiers: ClinVar variation 2799648 (VCV002799648.3), dbSNP rs762654687, ClinGen allele CA6100974.